The following is an entry in ClinVar:

NM_000383.4(AIRE):c.1401-28G>C

Gene: AIRE (autoimmune regulator; plus strand). Cytogenetic location: 21q22.3.
Variant type: single nucleotide variant.
Coding change: c.1401-28G>C on transcript NM_000383.4 (MANE Select); 28 bases into the intron before coding-DNA position 1401, G replaced by C.
Molecular consequence: intron variant.
Genome position (GRCh38, 1-based): chr21:44,294,373, G>C. VCF-style: chr21-44294373-G-C. GRCh37 (hg19) VCF-style: chr21-45714256-G-C.
Identifiers: ClinVar variation 1257477 (VCV001257477.5), dbSNP rs1800526, ClinGen allele CA10052117.

ClinVar aggregate classification (germline): Benign. Review status: criteria provided, multiple submitters, no conflicts (2 of 4 stars). 3 submissions from 3 submitters: Benign (3). Last evaluated 2024-01-24.

Allele frequency attached by ClinVar (database versions not stated): gnomAD 0.17531 and 0.17294; gnomAD exomes 0.18614; 1000 Genomes Project 30x 0.21315; ESP Exome Variant Server 0.14723; 1000 Genomes Project 0.21386; ExAC 0.27982.

Submissions (3):

Unidad de Genómica Garrahan, Hospital de Pediatría Garrahan
Classification: Benign. Last evaluated: 2024-01-24. Review status: criteria provided, single submitter. Criteria: ACMG Guidelines, 2015. Collection method: clinical testing. Allele origin: germline. Affected: no. Observed: 34 variant alleles.
Comment: This variant is classified as Benign based on local population frequency. This variant was detected in 39% of patients studied by a panel of primary immunodeficiencies. Number of patients: 34. Only high quality variants are reported.

GeneDx
Classification: Benign. Last evaluated: 2015-03-03. Review status: criteria provided, single submitter. Criteria: GeneDx Variant Classification Process June 2021. Collection method: clinical testing. Allele origin: germline. Affected: yes.

Breakthrough Genomics
Classification: Benign. Review status: criteria provided, single submitter. Criteria: ACMG Guidelines, 2015. Collection method: not provided. Allele origin: germline. Inheritance: Autosomal recessive inheritance. Affected: yes.